The following is an entry in ClinVar:

NM_015030.2(FRYL):c.8576T>C (p.Ile2859Thr)

Gene: FRYL (FRY like transcription coactivator; minus strand). Cytogenetic location: 4p11.
Variant type: single nucleotide variant.
Coding change: c.8576T>C on transcript NM_015030.2 (MANE Select); coding-DNA position 8576, T replaced by C.
Protein change: p.Ile2859Thr; replaces isoleucine 2859 with threonine.
Molecular consequence: missense variant.
Genome position (GRCh38, 1-based): chr4:48,501,639, A>G on the plus strand (T>C on the coding strand, the complement: FRYL is on the minus strand). VCF-style: chr4-48501639-A-G. GRCh37 (hg19) VCF-style: chr4-48503656-A-G.
Other names: short protein forms I2859T.
Identifiers: ClinVar variation 5040917 (VCV005040917.1).

ClinVar aggregate classification (germline): Likely benign (1 of 4 stars; one submission).

gnomAD v4.1: 16 of 1,586,852 alleles (0.001%); highest among the groups gnomAD compares: Non-Finnish European, 0.0014%; no homozygotes.

Submission:

CeGaT Center for Human Genetics Tuebingen
Classification: Likely benign. Last evaluated: 2026-09-01. Review status: criteria provided, single submitter. Criteria: CeGaT Center For Human Genetics Tuebingen Variant Classification Criteria Version 2. Collection method: clinical testing. Allele origin: germline. Affected: yes. Observed: 1 variant allele.
Comment: FRYL: BS2